The following is an entry in ClinVar:

NM_016123.4(IRAK4):c.229A>G (p.Thr77Ala)

Gene: IRAK4 (interleukin 1 receptor associated kinase 4; plus strand). Cytogenetic location: 12q12.
Variant type: single nucleotide variant.
Coding change: c.229A>G on transcript NM_016123.4 (MANE Select); coding-DNA position 229, A replaced by G.
Protein change: p.Thr77Ala; replaces threonine 77 with alanine.
Molecular consequence: missense variant. On other transcripts: 5 prime UTR variant (4), intron variant (6).
Genome position (GRCh38, 1-based): chr12:43,771,287, A>G. VCF-style: chr12-43771287-A-G. GRCh37 (hg19) VCF-style: chr12-44165090-A-G.
Other names: c.229A>G, p.Thr77Ala (NM_001114182.3, NM_001351345.2); c.-144A>G (NM_001351339.2, NM_001351340.2, NM_001351341.2 and 1 more transcripts); c.-65-893A>G (NM_001351338.2, NM_001145256.2, NM_001145257.2 and 1 more transcripts); c.-216-893A>G (NM_001351343.2, NM_001351344.2); short protein forms T77A.
Identifiers: ClinVar variation 533525 (VCV000533525.9), dbSNP rs1555167569, ClinGen allele CA384466480.

ClinVar aggregate classification (germline): Uncertain significance (1 of 4 stars; one submission).

Conditions:
Immunodeficiency 67. Also called: Immunodeficiency due to interleukin-1 receptor-associated kinase-4 deficiency. Identifiers: Orphanet 70592, MedGen C1843256, MONDO:0011888, OMIM 607676.

Allele frequency attached by ClinVar (database versions not stated): gnomAD exomes below 0.00001.
gnomAD v4.1: 1 of 1,614,132 alleles (0.000062%); highest among the groups gnomAD compares: Non-Finnish European, 0.000085%; no homozygotes.

Submission:

Labcorp Genetics (formerly Invitae), Labcorp
Classification: Uncertain significance for Immunodeficiency 67. Last evaluated: 2022-02-04. Review status: criteria provided, single submitter. Criteria: Invitae Variant Classification Sherloc (09022015). Collection method: clinical testing. Allele origin: germline.
Comment: This sequence change replaces threonine, which is neutral and polar, with alanine, which is neutral and non-polar, at codon 77 of the IRAK4 protein (p.Thr77Ala). This variant has not been reported in the literature in individuals affected with IRAK4-related conditions. In summary, the available evidence is currently insufficient to determine the role of this variant in disease. Therefore, it has been classified as a Variant of Uncertain Significance. Algorithms developed to predict the effect of missense changes on protein structure and function are either unavailable or do not agree on the potential impact of this missense change (SIFT: "Tolerated"; PolyPhen-2: "Possibly Damaging"; Align-GVGD: "Class C0"). ClinVar contains an entry for this variant (Variation ID: 533525). This variant is not present in population databases (gnomAD no frequency).